The following is an entry in ClinVar:

NM_000327.4(ROM1):c.878T>C (p.Leu293Pro)

Gene: ROM1 (retinal outer segment membrane protein 1; plus strand). Cytogenetic location: 11q12.3.
Variant type: single nucleotide variant.
Coding change: c.878T>C on transcript NM_000327.4 (MANE Select); coding-DNA position 878, T replaced by C.
Protein change: p.Leu293Pro; replaces leucine 293 with proline.
Molecular consequence: missense variant.
Genome position (GRCh38, 1-based): chr11:62,614,661, T>C. VCF-style: chr11-62614661-T-C. GRCh37 (hg19) VCF-style: chr11-62382133-T-C.
Other names: short protein forms L293P.
Identifiers: ClinVar variation 2100157 (VCV002100157.4), dbSNP rs2496227548, ClinGen allele CA380972907.
Genomic context (GRCh38, chr11:62,614,661, plus strand): 5'-TCCCCTTGCTTCCCCCACAGGCTCTGGTGCTCCTTGGCCTGCGGTACCTGCAAACAGCAC[T>C]GGAGGGGCTTGGAGGGGTCATTGATGCGGGAGGAGAGACCCAGGGCTATCTCTTTCCCAG-3'
Protein context (NP_000318.2, residues 283-303): LLGLRYLQTA[Leu293Pro]EGLGGVIDAG

ClinVar aggregate classification (germline): Uncertain significance (1 of 4 stars; one submission).

Submission:

Labcorp Genetics (formerly Invitae), Labcorp
Classification: Uncertain significance. Last evaluated: 2022-08-23. Review status: criteria provided, single submitter. Criteria: Invitae Variant Classification Sherloc (09022015). Collection method: clinical testing. Allele origin: germline.
Comment: This variant has not been reported in the literature in individuals affected with ROM1-related conditions. This variant is not present in population databases (gnomAD no frequency). This sequence change replaces leucine, which is neutral and non-polar, with proline, which is neutral and non-polar, at codon 293 of the ROM1 protein (p.Leu293Pro). Algorithms developed to predict the effect of missense changes on protein structure and function (SIFT, PolyPhen-2, Align-GVGD) all suggest that this variant is likely to be disruptive. In summary, the available evidence is currently insufficient to determine the role of this variant in disease. Therefore, it has been classified as a Variant of Uncertain Significance.